The following is an entry in ClinVar:

ClinVar aggregate classification (germline): Uncertain significance. Review status: criteria provided, multiple submitters, no conflicts (2 of 4 stars). 2 submissions from 2 submitters: Uncertain significance (2). Last evaluated 2024-08-05.

Conditions:
Inborn genetic diseases. Identifiers: MedGen C0950123, MeSH D030342.
Autosomal recessive limb-girdle muscular dystrophy type R18 (LGMDR18). Also called: Limb-girdle muscular dystrophy, type 2S; MUSCULAR DYSTROPHY, LIMB-GIRDLE, AUTOSOMAL RECESSIVE 18; Autosomal recessive limb-girdle muscular dystrophy type 2S. Identifiers: Orphanet 369840, MedGen C4517996, MONDO:0014144, OMIM 615356.

Allele frequency attached by ClinVar (database versions not stated): gnomAD 0.00001; gnomAD exomes 0.00001.
gnomAD v4.1: 7 of 1,607,078 alleles (0.00044%); highest among the groups gnomAD compares: Admixed American, 0.0017%; no homozygotes.

Submissions (2):

Ambry Genetics
Classification: Uncertain significance for Inborn genetic diseases. Last evaluated: 2024-08-05. Review status: criteria provided, single submitter. Criteria: Ambry Variant Classification Scheme 2023. Collection method: clinical testing. Allele origin: germline.

Labcorp Genetics (formerly Invitae), Labcorp
Classification: Uncertain significance for Autosomal recessive limb-girdle muscular dystrophy type R18. Last evaluated: 2022-04-22. Review status: criteria provided, single submitter. Criteria: Invitae Variant Classification Sherloc (09022015). Collection method: clinical testing. Allele origin: germline.
Comment: This sequence change replaces isoleucine, which is neutral and non-polar, with valine, which is neutral and non-polar, at codon 153 of the TRAPPC11 protein (p.Ile153Val). This variant is not present in population databases (gnomAD no frequency). This variant has not been reported in the literature in individuals affected with TRAPPC11-related conditions. Algorithms developed to predict the effect of missense changes on protein structure and function output the following: SIFT: "Tolerated"; PolyPhen-2: "Benign"; Align-GVGD: "Class C0". The valine amino acid residue is found in multiple mammalian species, which suggests that this missense change does not adversely affect protein function. In summary, the available evidence is currently insufficient to determine the role of this variant in disease. Therefore, it has been classified as a Variant of Uncertain Significance.

NM_021942.6(TRAPPC11):c.457A>G (p.Ile153Val)

Gene: TRAPPC11 (trafficking protein particle complex subunit 11; plus strand). Cytogenetic location: 4q35.1.
Variant type: single nucleotide variant.
Coding change: c.457A>G on transcript NM_021942.6 (MANE Select); coding-DNA position 457, A replaced by G.
Protein change: p.Ile153Val; replaces isoleucine 153 with valine.
Molecular consequence: missense variant.
Genome position (GRCh38, 1-based): chr4:183,668,014, A>G. VCF-style: chr4-183668014-A-G. GRCh37 (hg19) VCF-style: chr4-184589167-A-G.
Other names: c.457A>G, p.Ile153Val (NM_199053.3); c.457A>G (NM_021942.4); short protein forms I153V.
Identifiers: ClinVar variation 2079260 (VCV002079260.2), dbSNP rs1022090823, ClinGen allele CA111836033.